The following is an entry in ClinVar:

NM_018127.7(ELAC2):c.1808+4A>G

Gene: ELAC2 (elaC ribonuclease Z 2; minus strand). Cytogenetic location: 17p12.
Variant type: single nucleotide variant.
Coding change: c.1808+4A>G on transcript NM_018127.7 (MANE Select); 4 bases into the intron after coding-DNA position 1808, A replaced by G.
Molecular consequence: intron variant.
Genome position (GRCh38, 1-based): chr17:12,995,699, T>C on the plus strand (A>G on the coding strand, the complement: ELAC2 is on the minus strand). VCF-style: chr17-12995699-T-C. GRCh37 (hg19) VCF-style: chr17-12899016-T-C.
Other names: c.1688+4A>G (NM_001165962.2); c.1805+4A>G (NM_173717.2).
Identifiers: ClinVar variation 1390738 (VCV001390738.5), dbSNP rs1044835449, ClinGen allele CA288077142.

ClinVar aggregate classification (germline): Uncertain significance (1 of 4 stars; one submission).

Conditions:
Combined oxidative phosphorylation defect type 17. Also called: Combined oxidative phosphorylation deficiency 17. Identifiers: Orphanet 369913, MedGen C3809526, MONDO:0014190, OMIM 615440.

Submission:

Labcorp Genetics (formerly Invitae), Labcorp
Classification: Uncertain significance for Combined oxidative phosphorylation defect type 17. Last evaluated: 2022-06-27. Review status: criteria provided, single submitter. Criteria: Invitae Variant Classification Sherloc (09022015). Collection method: clinical testing. Allele origin: germline.
Comment: This variant has not been reported in the literature in individuals affected with ELAC2-related conditions. In summary, the available evidence is currently insufficient to determine the role of this variant in disease. Therefore, it has been classified as a Variant of Uncertain Significance. Variants that disrupt the consensus splice site are a relatively common cause of aberrant splicing (PMID: 17576681, 9536098). Algorithms developed to predict the effect of sequence changes on RNA splicing suggest that this variant is not likely to affect RNA splicing. This variant is not present in population databases (gnomAD no frequency). This sequence change falls in intron 19 of the ELAC2 gene. It does not directly change the encoded amino acid sequence of the ELAC2 protein. It affects a nucleotide within the consensus splice site.

Literature cited by the submitters: PubMed 17576681; PubMed 9536098.